The following is an entry in ClinVar:

NM_000218.3(KCNQ1):c.1394-18070G>C

Genes: KCNQ1 (potassium voltage-gated channel subfamily Q member 1; plus strand), KCNQ1OT1 (KCNQ1 opposite strand/antisense transcript 1; minus strand). Cytogenetic location: 11p15.5.
Variant type: single nucleotide variant.
Coding change: c.1394-18070G>C on transcript NM_000218.3 (MANE Select); 18070 bases into the intron before coding-DNA position 1394, G replaced by C.
Molecular consequence: intron variant. On other transcripts: non-coding transcript variant (1).
Genome position (GRCh38, 1-based): chr11:2,643,891, G>C. VCF-style: chr11-2643891-G-C. GRCh37 (hg19) VCF-style: chr11-2665121-G-C.
Other names: c.1124-18070G>C (NM_001406837.1); c.1298-18070G>C (NM_001406836.1); c.854-18070G>C (NM_001406838.1); c.1013-18070G>C (NM_181798.2).
Identifiers: ClinVar variation 2641411 (VCV002641411.24), dbSNP rs559628423, ClinGen allele CA216156459.

ClinVar aggregate classification (germline): Benign (1 of 4 stars; one submission).

Allele frequency attached by ClinVar (database versions not stated): TOPMed 0.00103; gnomAD 0.00115.
gnomAD v4.1: 466 of 398,340 alleles (0.12%); highest among the groups gnomAD compares: Non-Finnish European, 0.18%; no homozygotes.

Submission:

CeGaT Center for Human Genetics Tuebingen
Classification: Benign. Last evaluated: 2026-09-01. Review status: criteria provided, single submitter. Criteria: CeGaT Center For Human Genetics Tuebingen Variant Classification Criteria Version 2. Collection method: clinical testing. Allele origin: germline. Affected: yes. Observed: 7 variant alleles.
Comment: KCNQ1OT1: BS1, BS2